The following is an entry in ClinVar:

ClinVar aggregate classification (germline): Uncertain significance (1 of 4 stars; one submission).

Conditions:
Donnai-Barrow syndrome. Also called: DBS/FOAR SYNDROME; FACIOOCULOACOUSTICORENAL SYNDROME. Identifiers: Orphanet 2143, MedGen C1857277, MONDO:0009104, OMIM 222448.

Allele frequency attached by ClinVar (database versions not stated): gnomAD 0.00002.
gnomAD v4.1: 3 of 152,194 alleles (0.002%); highest among the groups gnomAD compares: Non-Finnish European, 0.0044%; no homozygotes.

Submission:

New York Genome Center
Classification: Uncertain significance for Donnai-Barrow syndrome. Last evaluated: 2022-02-03. Review status: criteria provided, single submitter. Criteria: NYGC Assertion Criteria 2020. Collection method: clinical testing. Allele origin: inherited. Observed: 1 compound heterozygote. Study: PrenatalSEQ.
Comment: The inherited c.80-11381G>A deep intronic variant identified in intron 1 (of 78) of the LRP2 gene has not been reported in affected individuals in the literature. The variant has 0.00001971 allele frequency in the gnomAD(v3) database (3 out of 152194 heterozygous alleles, no homozygotes) suggesting it is not a common benign variant in the populations represented in that database. The variant affects an evolutionarily conserved nucleotide in intron 1 of the LRP2 gene. In silico tools provide conflicting predictions about potential splicing effects of this variant (Splice AI score =0.00; TRAP score = 0.394). Based on the available evidence, the inherited c.80-11381G>A deep intronic variant identified in the LRP2 gene is reported as a Variant of Uncertain significance.

NM_004525.3(LRP2):c.80-11381G>A

Gene: LRP2 (LDL receptor related protein 2; minus strand). Cytogenetic location: 2q31.1.
Variant type: single nucleotide variant.
Coding change: c.80-11381G>A on transcript NM_004525.3 (MANE Select); 11381 bases into the intron before coding-DNA position 80, G replaced by A.
Molecular consequence: intron variant.
Genome position (GRCh38, 1-based): chr2:169,332,265, C>T on the plus strand (G>A on the coding strand, the complement: LRP2 is on the minus strand). VCF-style: chr2-169332265-C-T. GRCh37 (hg19) VCF-style: chr2-170188775-C-T.
Identifiers: ClinVar variation 3235915 (VCV003235915.1), dbSNP rs1329244987, ClinGen allele CA760484742.